The following is an entry in ClinVar:

NM_001130144.3(LTBP3):c.2231-1G>C

Genes: LTBP3 (latent transforming growth factor beta binding protein 3; minus strand), LOC130006029 (ATAC-STARR-seq lymphoblastoid silent region 3532; plus strand). Cytogenetic location: 11q13.1.
Variant type: single nucleotide variant.
Coding change: c.2231-1G>C on transcript NM_001130144.3 (MANE Select); the canonical splice acceptor site of the intron before coding-DNA position 2231, G replaced by C.
Molecular consequence: splice acceptor variant.
Genome position (GRCh38, 1-based): chr11:65,546,565, C>G on the plus strand (G>C on the coding strand, the complement: LTBP3 is on the minus strand). VCF-style: chr11-65546565-C-G. GRCh37 (hg19) VCF-style: chr11-65314036-C-G.
Other names: c.1880-1G>C (NM_001164266.1); c.2231-1G>C (NM_021070.4).
Identifiers: ClinVar variation 2744717 (VCV002744717.3), dbSNP rs1856377929, ClinGen allele CA381269837.

ClinVar aggregate classification (germline): Likely pathogenic (1 of 4 stars; one submission).

Conditions:
Brachyolmia-amelogenesis imperfecta syndrome. Also called: PLATYSPONDYLY WITH AMELOGENESIS IMPERFECTA; Tooth agenesis, selective, 6; Dental anomalies and short stature. Identifiers: Orphanet 2899, MedGen C1832594, MONDO:0011018, OMIM 601216. Disease mechanism: loss of function.

Submission:

Labcorp Genetics (formerly Invitae), Labcorp
Classification: Likely pathogenic for Brachyolmia-amelogenesis imperfecta syndrome. Last evaluated: 2023-07-18. Review status: criteria provided, single submitter. Criteria: Invitae Variant Classification Sherloc (09022015). Collection method: clinical testing. Allele origin: germline.
Comment: This sequence change affects an acceptor splice site in intron 15 of the LTBP3 gene. It is expected to disrupt RNA splicing. Variants that disrupt the donor or acceptor splice site typically lead to a loss of protein function (PMID: 16199547), and loss-of-function variants in LTBP3 are known to be pathogenic (PMID: 11790802, 19344874, 25669657). In summary, the currently available evidence indicates that the variant is pathogenic, but additional data are needed to prove that conclusively. Therefore, this variant has been classified as Likely Pathogenic. Algorithms developed to predict the effect of sequence changes on RNA splicing suggest that this variant may disrupt the consensus splice site. This variant has not been reported in the literature in individuals affected with LTBP3-related conditions. This variant is not present in population databases (gnomAD no frequency).

Literature cited by the submitters: PubMed 16199547; PubMed 11790802; PubMed 19344874; PubMed 25669657.